The following is an entry in ClinVar:

ClinVar aggregate classification (germline): Uncertain significance (1 of 4 stars; one submission).

Allele frequency attached by ClinVar (database versions not stated): gnomAD 0.00001; gnomAD exomes 0.00001.
gnomAD v4.1: 6 of 1,550,042 alleles (0.00039%); highest among the groups gnomAD compares: Admixed American, 0.0017%; no homozygotes.

Submission:

Ambry Genetics
Classification: Uncertain significance. Last evaluated: 2024-01-24. Review status: criteria provided, single submitter. Criteria: Ambry Variant Classification Scheme 2023. Collection method: clinical testing. Allele origin: germline.
Comment: The p.V2232I variant (also known as c.6694G>A), located in coding exon 22 of the POLQ gene, results from a G to A substitution at nucleotide position 6694. The valine at codon 2232 is replaced by isoleucine, an amino acid with highly similar properties. This amino acid position is conserved. In addition, this alteration is predicted to be tolerated by in silico analysis. Since supporting evidence is limited at this time, the clinical significance of this alteration remains unclear.

NM_199420.4(POLQ):c.6694G>A (p.Val2232Ile)

Gene: POLQ (DNA polymerase theta; minus strand). Cytogenetic location: 3q13.33.
Variant type: single nucleotide variant.
Coding change: c.6694G>A on transcript NM_199420.4 (MANE Select); coding-DNA position 6694, G replaced by A.
Protein change: p.Val2232Ile; replaces valine 2232 with isoleucine.
Molecular consequence: missense variant.
Genome position (GRCh38, 1-based): chr3:121,472,014, C>T on the plus strand (G>A on the coding strand, the complement: POLQ is on the minus strand). VCF-style: chr3-121472014-C-T. GRCh37 (hg19) VCF-style: chr3-121190861-C-T.
Other names: short protein forms V2232I.
Identifiers: ClinVar variation 1754922 (VCV001754922.2), dbSNP rs1207851692, ClinGen allele CA354085169.